The following is an entry in ClinVar:

ClinVar aggregate classification (germline): Uncertain significance (1 of 4 stars; one submission).

Conditions:
Familial temporal lobe epilepsy 7. Identifiers: Orphanet 101046, MedGen C4225327, MONDO:0014639, OMIM 616436.
Norman-Roberts syndrome (LIS2). Also called: Lissencephaly 2 (Norman-Roberts type). Identifiers: Orphanet 89844, MedGen C0796089, MONDO:0009760, OMIM 257320.

Allele frequency attached by ClinVar (database versions not stated): gnomAD 0.00002 and 0.00004; TOPMed 0.00005; gnomAD exomes 0.00008 and 0.00010; ExAC 0.00011; 1000 Genomes Project 30x 0.00016; 1000 Genomes Project 0.00020.
gnomAD v4.1: 142 of 1,614,124 alleles (0.0088%); highest among the groups gnomAD compares: Non-Finnish European, 0.012%; no homozygotes.

Submission:

Labcorp Genetics (formerly Invitae), Labcorp
Classification: Uncertain significance for Familial temporal lobe epilepsy 7; Norman-Roberts syndrome. Last evaluated: 2025-12-13. Review status: criteria provided, single submitter. Criteria: Invitae Variant Classification Sherloc (09022015). Collection method: clinical testing. Allele origin: germline.
Comment: This sequence change replaces threonine, which is neutral and polar, with isoleucine, which is neutral and non-polar, at codon 1466 of the RELN protein (p.Thr1466Ile). This variant is present in population databases (rs188328812, gnomAD 0.02%). This variant has not been reported in the literature in individuals affected with RELN-related conditions. ClinVar contains an entry for this variant (Variation ID: 639595). Invitae Evidence Modeling of protein sequence and biophysical properties (such as structural, functional, and spatial information, amino acid conservation, physicochemical variation, residue mobility, and thermodynamic stability) indicates that this missense variant is not expected to disrupt RELN protein function with a negative predictive value of 80%. In summary, the available evidence is currently insufficient to determine the role of this variant in disease. Therefore, it has been classified as a Variant of Uncertain Significance.

NM_005045.4(RELN):c.4397C>T (p.Thr1466Ile)

Gene: RELN (reelin; minus strand). Cytogenetic location: 7q22.1.
Variant type: single nucleotide variant.
Coding change: c.4397C>T on transcript NM_005045.4 (MANE Select); coding-DNA position 4397, C replaced by T.
Protein change: p.Thr1466Ile; replaces threonine 1466 with isoleucine.
Molecular consequence: missense variant.
Genome position (GRCh38, 1-based): chr7:103,574,206, G>A on the plus strand (C>T on the coding strand, the complement: RELN is on the minus strand). VCF-style: chr7-103574206-G-A. GRCh37 (hg19) VCF-style: chr7-103214653-G-A.
Other names: c.4397C>T, p.Thr1466Ile (NM_173054.3); short protein forms T1466I.
Identifiers: ClinVar variation 639595 (VCV000639595.9), dbSNP rs188328812, ClinGen allele CA4421530.